The following is an entry in ClinVar:

ClinVar aggregate classification (germline): Uncertain significance (1 of 4 stars; one submission).

Conditions:
Hereditary cancer-predisposing syndrome. Also called: Tumor predisposition; Hereditary neoplastic syndrome; Hereditary Cancer Syndrome; Neoplastic Syndromes, Hereditary. Identifiers: Orphanet 140162, MedGen C0027672, MeSH D009386, MONDO:0015356.

Submission:

Ambry Genetics
Classification: Uncertain significance for Hereditary cancer-predisposing syndrome. Last evaluated: 2025-04-29. Review status: criteria provided, single submitter. Criteria: Ambry Variant Classification Scheme 2023. Collection method: clinical testing. Allele origin: germline.
Comment: The c.-4C>G variant is located in the 5' untranslated region (5&rsquo; UTR) of the TSC2 gene. This variant results from a C to G substitution 4 bases upstream from the first translated codon. This nucleotide position is well conserved in available vertebrate species. Based on the available evidence, the clinical significance of this variant remains unclear.

NM_000548.5(TSC2):c.-4C>G

Gene: TSC2 (TSC complex subunit 2; plus strand). Cytogenetic location: 16p13.3.
Variant type: single nucleotide variant.
Coding change: c.-4C>G on transcript NM_000548.5 (MANE Select); 4 bases upstream of the start codon, C replaced by G.
Molecular consequence: 5 prime UTR variant. On other transcripts: intron variant (6), synonymous variant (1), non-coding transcript variant (5).
Genome position (GRCh38, 1-based): chr16:2,048,612, C>G. VCF-style: chr16-2048612-C-G. GRCh37 (hg19) VCF-style: chr16-2098613-C-G.
Other names: c.-10+547C>G (NM_001406675.1, NM_001406676.1, NM_001318829.2 and 2 more transcripts); c.-89+547C>G (NM_001406686.1); c.-4C>G (NM_001077183.3, NM_001114382.3, NM_001318827.2 and 13 more transcripts); c.-230C>G (NM_001318831.2, NM_001406682.1, NM_001406684.1 and 2 more transcripts); c.30C>G, p.Ser10= (NM_001318832.2); c.-820C>G (NM_001406680.1, NM_001406683.1, NM_001406687.1); c.-449C>G (NM_001406681.1); c.-1435C>G (NM_001406689.1, NM_001406690.1, NM_001406691.1 and 2 more transcripts); and 4 more.
Identifiers: ClinVar variation 3974646 (VCV003974646.1).